The following is an entry in ClinVar:

NM_001035.3(RYR2):c.10075T>C (p.Phe3359Leu)

Gene: RYR2 (ryanodine receptor 2; plus strand). Cytogenetic location: 1q43.
Variant type: single nucleotide variant.
Coding change: c.10075T>C on transcript NM_001035.3 (MANE Select); coding-DNA position 10075, T replaced by C.
Protein change: p.Phe3359Leu; replaces phenylalanine 3359 with leucine.
Molecular consequence: missense variant.
Genome position (GRCh38, 1-based): chr1:237,709,031, T>C. VCF-style: chr1-237709031-T-C. GRCh37 (hg19) VCF-style: chr1-237872331-T-C.
Other names: short protein forms F3359L.
Identifiers: ClinVar variation 3074193 (VCV003074193.2), dbSNP rs1688606901, ClinGen allele CA345411003.

ClinVar aggregate classification (germline): Uncertain significance. Review status: criteria provided, multiple submitters, no conflicts (2 of 4 stars). 2 submissions from 2 submitters: Uncertain significance (2). Last evaluated 2023-11-02.

Conditions:
Catecholaminergic polymorphic ventricular tachycardia (CVPT). Also called: Catecholamine-induced polymorphic ventricular tachycardia. Identifiers: Orphanet 3286, MedGen C5574922, MONDO:0017990.

Submissions (2):

All of Us Research Program, National Institutes of Health
Classification: Uncertain significance for Catecholaminergic polymorphic ventricular tachycardia. Last evaluated: 2023-11-02. Review status: criteria provided, single submitter. Criteria: ACMG Guidelines, 2015. Collection method: clinical testing. Allele origin: germline. Inheritance: Autosomal dominant inheritance. Observed: 1 variant allele, 1 heterozygote.
Comment: This missense variant replaces phenylalanine with leucine at codon 3359 of the RYR2 protein. Computational prediction suggests that this variant may have deleterious impact on protein structure and function (internally defined REVEL score threshold >= 0.7, PMID: 27666373). To our knowledge, functional studies have not been reported for this variant. This variant has not been reported in individuals affected with RYR2-related disorders in the literature. This variant has not been identified in the general population by the Genome Aggregation Database (gnomAD). The available evidence is insufficient to determine the role of this variant in disease conclusively. Therefore, this variant is classified as a Variant of Uncertain Significance.

This study involves interpretation of variants in research participants for the purpose of population health screening. Participant phenotype was not available at the time of variant classification. Additional details can be found in publication PMID: 35346344, PMCID: PMC8962531

Blueprint Genetics
Classification: Uncertain significance. Last evaluated: 2019-02-11. Review status: criteria provided, single submitter. Criteria: ACMG Guidelines, 2015. Collection method: clinical testing. Allele origin: germline.